The following is an entry in ClinVar:

NM_016343.4(CENPF):c.2251C>T (p.Arg751Trp)

Gene: CENPF (centromere protein F; plus strand). Cytogenetic location: 1q41.
Variant type: single nucleotide variant.
Coding change: c.2251C>T on transcript NM_016343.4 (MANE Select); coding-DNA position 2251, C replaced by T.
Protein change: p.Arg751Trp; replaces arginine 751 with tryptophan.
Molecular consequence: missense variant.
Genome position (GRCh38, 1-based): chr1:214,640,589, C>T. VCF-style: chr1-214640589-C-T. GRCh37 (hg19) VCF-style: chr1-214813932-C-T.
Other names: short protein forms R751W.
Identifiers: ClinVar variation 2196051 (VCV002196051.4), dbSNP rs199832648, ClinGen allele CA1390218.
Genomic context (GRCh38, chr1:214,640,589, plus strand): 5'-CAAGTTGAAGATCTAGAACACAAGCTTCAGTTACTGTCAAATGAAATAATGGACAAAGAC[C>T]GGTGTTACCAAGACTTGCATGCCGAATATGAGAGCCTCAGGGATCTGCTAAAATCCAAAG-3'
Protein context (NP_057427.3, residues 741-761): LLSNEIMDKD[Arg751Trp]CYQDLHAEYE

ClinVar aggregate classification (germline): Uncertain significance (1 of 4 stars; one submission).

Allele frequency attached by ClinVar (database versions not stated): ExAC 0.00002; TOPMed 0.00005; gnomAD 0.00006; 1000 Genomes Project 30x 0.00016; 1000 Genomes Project 0.00020.
gnomAD v4.1: 77 of 1,614,004 alleles (0.0048%); highest among the groups gnomAD compares: Non-Finnish European, 0.006%; no homozygotes.

Submission:

Labcorp Genetics (formerly Invitae), Labcorp
Classification: Uncertain significance. Last evaluated: 2022-06-13. Review status: criteria provided, single submitter. Criteria: Invitae Variant Classification Sherloc (09022015). Collection method: clinical testing. Allele origin: germline.
Comment: In summary, the available evidence is currently insufficient to determine the role of this variant in disease. Therefore, it has been classified as a Variant of Uncertain Significance. Algorithms developed to predict the effect of missense changes on protein structure and function (SIFT, PolyPhen-2, Align-GVGD) all suggest that this variant is likely to be disruptive. This variant has not been reported in the literature in individuals affected with CENPF-related conditions. This variant is present in population databases (rs199832648, gnomAD 0.006%). This sequence change replaces arginine, which is basic and polar, with tryptophan, which is neutral and slightly polar, at codon 751 of the CENPF protein (p.Arg751Trp).